The following is an entry in ClinVar:

ClinVar aggregate classification (germline): Likely pathogenic. Review status: criteria provided, multiple submitters, no conflicts (2 of 4 stars). 2 submissions from 2 submitters: Likely pathogenic (2). Last evaluated 2025-06-10.

Conditions:
3-hydroxy-3-methylglutaryl-CoA synthase deficiency (HMGCS2D). Also called: HMGCS2 DEFICIENCY; HMG-CoA synthase-2 deficiency; MITOCHONDRIAL HMG-CoA SYNTHASE DEFICIENCY. Identifiers: Orphanet 35701, MedGen C2751532, MONDO:0011614, OMIM 605911.

Allele frequency attached by ClinVar (database versions not stated): gnomAD exomes below 0.00001; gnomAD 0.00002 and 0.00003; TOPMed 0.00008.
gnomAD v4.1: 6 of 1,613,762 alleles (0.00037%); highest among the groups gnomAD compares: Admixed American, 0.01%; no homozygotes.

Submissions (2):

GeneDx
Classification: Likely pathogenic. Last evaluated: 2025-06-10. Review status: criteria provided, single submitter. Criteria: GeneDx Variant Classification Process June 2021. Collection method: clinical testing. Allele origin: germline. Affected: yes.
Comment: Canonical splice site variant predicted to result in an in-frame loss of the adjacent exon in a gene for which loss of function is a known mechanism of disease; Not observed at significant frequency in large population cohorts (gnomAD); Has not been previously published as pathogenic or benign to our knowledge

Labcorp Genetics (formerly Invitae), Labcorp
Classification: Likely pathogenic for 3-hydroxy-3-methylglutaryl-CoA synthase deficiency. Last evaluated: 2025-01-27. Review status: criteria provided, single submitter. Criteria: Invitae Variant Classification Sherloc (09022015). Collection method: clinical testing. Allele origin: germline.
Comment: This sequence change affects a donor splice site in intron 3 of the HMGCS2 gene. It is expected to disrupt RNA splicing. Variants that disrupt the donor or acceptor splice site typically lead to a loss of protein function (PMID: 16199547), and loss-of-function variants in HMGCS2 are known to be pathogenic (PMID: 20346956, 23751782, 25511235). This variant is not present in population databases (gnomAD no frequency). This variant has not been reported in the literature in individuals affected with HMGCS2-related conditions. ClinVar contains an entry for this variant (Variation ID: 203781). Algorithms developed to predict the effect of sequence changes on RNA splicing suggest that this variant may disrupt the consensus splice site. In summary, the currently available evidence indicates that the variant is pathogenic, but additional data are needed to prove that conclusively. Therefore, this variant has been classified as Likely Pathogenic.

Literature cited by the submitters: PubMed 16199547 (cited by Labcorp Genetics (formerly Invitae), Labcorp); PubMed 20346956 (cited by Labcorp Genetics (formerly Invitae), Labcorp); PubMed 23751782 (cited by Labcorp Genetics (formerly Invitae), Labcorp); PubMed 25511235 (cited by Labcorp Genetics (formerly Invitae), Labcorp).

NM_005518.4(HMGCS2):c.685+2T>A

Gene: HMGCS2 (3-hydroxy-3-methylglutaryl-CoA synthase 2; minus strand). Cytogenetic location: 1p12.
Variant type: single nucleotide variant.
Coding change: c.685+2T>A on transcript NM_005518.4 (MANE Select); the canonical splice donor site of the intron after coding-DNA position 685, T replaced by A.
Molecular consequence: splice donor variant. On other transcripts: intron variant (1).
Genome position (GRCh38, 1-based): chr1:119,759,862, A>T on the plus strand (T>A on the coding strand, the complement: HMGCS2 is on the minus strand). VCF-style: chr1-119759862-A-T. GRCh37 (hg19) VCF-style: chr1-120302485-A-T.
Other names: c.560-580T>A (NM_001166107.1).
Identifiers: ClinVar variation 203781 (VCV000203781.7), dbSNP rs796051979, ClinGen allele CA312651.